The following is an entry in ClinVar:

NM_000245.4(MET):c.3455C>A (p.Ser1152Tyr)

Gene: MET (MET proto-oncogene, receptor tyrosine kinase; plus strand). Cytogenetic location: 7q31.2.
Variant type: single nucleotide variant.
Coding change: c.3455C>A on transcript NM_000245.4 (MANE Select); coding-DNA position 3455, C replaced by A.
Protein change: p.Ser1152Tyr; replaces serine 1152 with tyrosine.
Molecular consequence: missense variant.
Genome position (GRCh38, 1-based): chr7:116,778,890, C>A. VCF-style: chr7-116778890-C-A. GRCh37 (hg19) VCF-style: chr7-116418944-C-A.
Other names: c.3509C>A, p.Ser1170Tyr (NM_001127500.3); c.2165C>A, p.Ser722Tyr (NM_001324402.2); short protein forms S1152Y, S722Y, S1170Y.
Identifiers: ClinVar variation 3294371 (VCV003294371.1).

ClinVar aggregate classification (germline): Uncertain significance (1 of 4 stars; one submission).

Conditions:
Hereditary cancer-predisposing syndrome. Also called: Tumor predisposition; Hereditary Cancer Syndrome; Hereditary neoplastic syndrome; Neoplastic Syndromes, Hereditary. Identifiers: Orphanet 140162, MedGen C0027672, MeSH D009386, MONDO:0015356.

Submission:

Ambry Genetics
Classification: Uncertain significance for Hereditary cancer-predisposing syndrome. Last evaluated: 2024-05-25. Review status: criteria provided, single submitter. Criteria: Ambry Variant Classification Scheme 2023. Collection method: clinical testing. Allele origin: germline.
Comment: The p.S1170Y variant (also known as c.3509C>A), located in coding exon 16 of the MET gene, results from a C to A substitution at nucleotide position 3509. The serine at codon 1170 is replaced by tyrosine, an amino acid with dissimilar properties. This amino acid position is conserved. In addition, the in silico prediction for this alteration is inconclusive. Based on the available evidence, the clinical significance of this variant remains unclear.